The following is an entry in ClinVar:

NM_004006.3(DMD):c.2134A>G (p.Arg712Gly)

Gene: DMD (dystrophin; minus strand). Cytogenetic location: Xp21.1.
Variant type: single nucleotide variant.
Coding change: c.2134A>G on transcript NM_004006.3 (MANE Select); coding-DNA position 2134, A replaced by G.
Protein change: p.Arg712Gly; replaces arginine 712 with glycine.
Molecular consequence: missense variant.
Genome position (GRCh38, 1-based): chrX:32,545,193, T>C on the plus strand (A>G on the coding strand, the complement: DMD is on the minus strand). VCF-style: chrX-32545193-T-C. GRCh37 (hg19) VCF-style: chrX-32563310-T-C.
Other names: c.2110A>G, p.Arg704Gly (NM_000109.4); c.2122A>G, p.Arg708Gly (NM_004009.3); c.1765A>G, p.Arg589Gly (NM_004010.3); short protein forms R704G, R589G, R708G, R712G.
Identifiers: ClinVar variation 661702 (VCV000661702.12), dbSNP rs1294221734, ClinGen allele CA412667672.

ClinVar aggregate classification (germline): Uncertain significance. Review status: criteria provided, single submitter (1 of 4 stars). 2 submissions from 2 submitters: Uncertain significance (1). 1 of the submissions does not count toward it. Last evaluated 2025-09-01.

Conditions:
Duchenne muscular dystrophy (DMD). Also called: MUSCULAR DYSTROPHY, PSEUDOHYPERTROPHIC PROGRESSIVE, DUCHENNE TYPE; Duchenne Muscular Dystrophy (DMD). Identifiers: Orphanet 98896, MedGen C0013264, MONDO:0010679, OMIM 310200.
Dystrophin deficiency.

Allele frequency attached by ClinVar (database versions not stated): gnomAD 0.00001; TOPMed 0.00002.
gnomAD v4.1: 1 of 1,209,388 alleles (0.000083%); highest among the groups gnomAD compares: African/African-American, 0.0017%; no homozygotes.

Submissions (2):

Labcorp Genetics (formerly Invitae), Labcorp
Classification: Uncertain significance for Duchenne muscular dystrophy. Last evaluated: 2025-09-01. Review status: criteria provided, single submitter. Criteria: Invitae Variant Classification Sherloc (09022015). Collection method: clinical testing. Allele origin: germline.
Comment: This sequence change replaces arginine, which is basic and polar, with glycine, which is neutral and non-polar, at codon 712 of the DMD protein (p.Arg712Gly). This variant is not present in population databases (gnomAD no frequency). This variant has not been reported in the literature in individuals affected with DMD-related conditions. ClinVar contains an entry for this variant (Variation ID: 661702). Invitae Evidence Modeling of protein sequence and biophysical properties (such as structural, functional, and spatial information, amino acid conservation, physicochemical variation, residue mobility, and thermodynamic stability) indicates that this missense variant is not expected to disrupt DMD protein function with a negative predictive value of 95%. In summary, the available evidence is currently insufficient to determine the role of this variant in disease. Therefore, it has been classified as a Variant of Uncertain Significance.

Natera, Inc.
Classification: Uncertain significance for Dystrophin deficiency. Last evaluated: 2020-09-16. Review status: no assertion criteria provided. Collection method: clinical testing. Allele origin: germline. Not counted in ClinVar's aggregate classification.